The following is an entry in ClinVar:

ClinVar aggregate classification (germline): Uncertain significance (1 of 4 stars; one submission).

Conditions:
Spinal muscular atrophy, type II (SMA2). Also called: MUSCULAR ATROPHY, SPINAL, INFANTILE CHRONIC FORM; MUSCULAR ATROPHY, SPINAL, INTERMEDIATE TYPE; SMA II. Identifiers: Orphanet 70, Orphanet 83418, MedGen C0393538, MONDO:0009673, OMIM 253550.

Submission:

DNA-diagnostics Laboratory, Research Centre For Medical Genetics
Classification: Uncertain significance for Spinal muscular atrophy, type II. Last evaluated: 2024-06-04. Review status: criteria provided, single submitter. Criteria: ACMG Guidelines, 2015. Collection method: clinical testing. Allele origin: germline. Inheritance: Autosomal recessive inheritance. Affected: yes.
Comment: The c.834+5del variant in the SMN1 gene fulfils the ACMG criteria: PM2, PM3

NM_000344.4(SMN1):c.834+5del

Gene: SMN1 (survival of motor neuron 1, telomeric). Cytogenetic location: 5q13.2.
Variant type: Deletion.
Coding change: c.834+5del on transcript NM_000344.4 (MANE Select); 5 bases into the intron after coding-DNA position 834, one base deleted.
Molecular consequence: intron variant.
Genome position: GRCh38 VCF-style: chr5-70946180-AG-A. GRCh37 (hg19) VCF-style: chr5-70242007-AG-A.
Other names: c.834+5del (NM_001297715.1); c.738+5del (NM_022874.2).
Identifiers: ClinVar variation 3239715 (VCV003239715.1), dbSNP rs2532126723.
Genomic context (GRCh38, chr5:70,946,180, plus strand): 5'-TTGGGAAGTATGTTAATTTCATGGTACATGAGTGGCTATCATACTGGCTATTATATGGTA[AG>A]TAATCACTCAGCATCTTTTCCTGACAATTTTTTTGTAGTTATGTGACTTTGTTTTGTAAA-3'